The following is an entry in ClinVar:

NM_000321.3(RB1):c.2212-15A>C

Gene: RB1 (RB transcriptional corepressor 1; plus strand). Cytogenetic location: 13q14.2.
Variant type: single nucleotide variant.
Coding change: c.2212-15A>C on transcript NM_000321.3 (MANE Select); 15 bases into the intron before coding-DNA position 2212, A replaced by C.
Molecular consequence: intron variant.
Genome position (GRCh38, 1-based): chr13:48,464,983, A>C. VCF-style: chr13-48464983-A-C. GRCh37 (hg19) VCF-style: chr13-49039119-A-C.
Other names: c.2212-15A>C (NM_001407165.1).
Identifiers: ClinVar variation 3029642 (VCV003029642.4), dbSNP rs372815788, ClinGen allele CA609929429.
Genomic context (GRCh38, chr13:48,464,983, plus strand): 5'-AGAAATTTTAAAATTCATTTAACAAGTAAATTTTACTTTTTTTTTTTTTTTTTTTTTTTT[A>C]CTGTTCTTCCTCAGACATTCAAACGTGTTTTGATCAAAGAAGAGGAGTATGATTCTATTA-3'

ClinVar aggregate classification (germline): Likely benign. Review status: criteria provided, single submitter (1 of 4 stars). 2 submissions from 2 submitters: Likely benign (1). 1 of the submissions does not count toward it. Last evaluated 2026-02-02.

Conditions:
RB1-related disorder. Also called: RB1-related condition.
Retinoblastoma (RB1). Also called: RETINOBLASTOMA, SOMATIC. Identifiers: Orphanet 790, MedGen C0035335, MeSH D012175, MONDO:0008380, OMIM 180200, HP:0009919. Disease mechanism: loss of function. Inheritance: Both sporadic and heritable forms are tested..

Submissions (2):

Labcorp Genetics (formerly Invitae), Labcorp
Classification: Likely benign for Retinoblastoma. Last evaluated: 2026-02-02. Review status: criteria provided, single submitter. Criteria: Invitae Variant Classification Sherloc (09022015). Collection method: clinical testing. Allele origin: germline.

PreventionGenetics, part of Exact Sciences
Classification: Likely benign for RB1-related condition. Last evaluated: 2024-05-01. Review status: no assertion criteria provided. Collection method: clinical testing. Allele origin: germline. Not counted in ClinVar's aggregate classification.
Comment: This variant is classified as likely benign based on ACMG/AMP sequence variant interpretation guidelines (Richards et al. 2015 PMID: 25741868, with internal and published modifications).